The following is an entry in ClinVar:

NM_003872.3(NRP2):c.2180G>T (p.Gly727Val)

Gene: NRP2 (neuropilin 2; plus strand). Cytogenetic location: 2q33.3.
Variant type: single nucleotide variant.
Coding change: c.2180G>T on transcript NM_003872.3 (MANE Select); coding-DNA position 2180, G replaced by T.
Protein change: p.Gly727Val; replaces glycine 727 with valine.
Molecular consequence: missense variant.
Genome position (GRCh38, 1-based): chr2:205,763,809, G>T. VCF-style: chr2-205763809-G-T. GRCh37 (hg19) VCF-style: chr2-206628533-G-T.
Other names: c.2180G>T, p.Gly727Val (NM_201267.2, NM_201279.2, NM_018534.4 and 1 more transcripts); short protein forms G727V.
Identifiers: ClinVar variation 4992182 (VCV004992182.1).
Genomic context (GRCh38, chr2:205,763,809, plus strand): 5'-TCCACCTGCCCCGAAGCCCGGTGTGCATGGAGTTCCAGTACCAGGCCACGGGCGGCCGCG[G>T]GGTGGCGCTGCAGGTGGTGCGGGAAGCCAGCCAGGAGAGCAAGTTGCTGTGGGTCATCCG-3'
Protein context (NP_003863.2, residues 717-737): EFQYQATGGR[Gly727Val]VALQVVREAS

ClinVar aggregate classification (germline): Uncertain significance (1 of 4 stars; one submission).

Conditions:
NRP2-related disorder. Also called: NRP2-related condition.

Submission:

PreventionGenetics, part of Exact Sciences
Classification: Uncertain significance for NRP2-related condition. Last evaluated: 2026-08-06. Review status: criteria provided, single submitter. Criteria: ACMG Guidelines, 2015. Collection method: clinical testing. Allele origin: germline.
Comment: The NRP2 c.2180G>T variant is predicted to result in the amino acid substitution p.Gly727Val. To our knowledge, this variant has not been reported in the literature or in a large population database (gnomAD), indicating this variant is rare. At this time, the clinical significance of this variant is uncertain due to the absence of conclusive functional and genetic evidence.